The following is an entry in ClinVar:

NM_000444.6(PHEX):c.1954G>T (p.Glu652Ter)

Genes: PHEX (phosphate regulating endopeptidase X-linked; plus strand), PTCHD1-AS (PTCHD1 and PHEX antisense RNA; minus strand). Cytogenetic location: Xp22.11.
Variant type: single nucleotide variant.
Coding change: c.1954G>T on transcript NM_000444.6 (MANE Select); coding-DNA position 1954, G replaced by T.
Protein change: p.Glu652Ter; replaces glutamic acid 652 with a stop codon.
Molecular consequence: nonsense.
Genome position (GRCh38, 1-based): chrX:22,226,497, G>T. VCF-style: chrX-22226497-G-T. GRCh37 (hg19) VCF-style: chrX-22244614-G-T.
Other names: NC_000023.10:g.22244614G>T; c.1954G>T, p.Glu652Ter (NM_001282754.2); short protein forms E652*.
Identifiers: ClinVar variation 4484958 (VCV004484958.2).

ClinVar aggregate classification (germline): Pathogenic (1 of 4 stars; one submission).

Submissions (2):

Labcorp Genetics (formerly Invitae), Labcorp
Classification: Pathogenic. Last evaluated: 2025-05-22. Review status: criteria provided, single submitter. Criteria: Invitae Variant Classification Sherloc (09022015). Collection method: clinical testing. Allele origin: germline.
Comment: This sequence change creates a premature translational stop signal (p.Glu652*) in the PHEX gene. It is expected to result in an absent or disrupted protein product. Loss-of-function variants in PHEX are known to be pathogenic (PMID: 9097956, 9106524, 19219621). This variant is not present in population databases (gnomAD no frequency). This variant has not been reported in the literature in individuals affected with PHEX-related conditions. Algorithms developed to predict the effect of sequence changes on RNA splicing suggest that this variant may disrupt the consensus splice site. For these reasons, this variant has been classified as Pathogenic.

Dr. Peter K. Rogan Lab, Western University
No classification provided (evidence only). Condition: Thyroid cancer, nonmedullary, 1. Review status: no classification provided. Collection method: in vitro. Allele origin: not applicable. Functional consequence: retained intron. Not counted in ClinVar's aggregate classification.

Literature cited by the submitters: PubMed 9097956 (cited by Labcorp Genetics (formerly Invitae), Labcorp); PubMed 9106524 (cited by Labcorp Genetics (formerly Invitae), Labcorp); PubMed 19219621 (cited by Labcorp Genetics (formerly Invitae), Labcorp).